The following is an entry in ClinVar:

NM_014956.5(CEP164):c.765+4A>T

Gene: CEP164 (centrosomal protein 164; plus strand). Cytogenetic location: 11q23.3.
Variant type: single nucleotide variant.
Coding change: c.765+4A>T on transcript NM_014956.5 (MANE Select); 4 bases into the intron after coding-DNA position 765, A replaced by T.
Molecular consequence: intron variant.
Genome position (GRCh38, 1-based): chr11:117,363,510, A>T. VCF-style: chr11-117363510-A-T. GRCh37 (hg19) VCF-style: chr11-117234226-A-T.
Other names: c.765+4A>T (NM_001271933.2).
Identifiers: ClinVar variation 2147311 (VCV002147311.4), dbSNP rs2041252155, ClinGen allele CA2580083667.
Genomic context (GRCh38, chr11:117,363,510, plus strand): 5'-CCTCTTAGGAACCTACACCTGGACATTGGGGCACTGGGGGGTGACTTTGAGTATGAGGTA[A>T]GAGCCCTAATCCCTACAGGCACATGTGTCAGCCTGGCATATCCCTCCTGTTTTTATTAAG-3'

ClinVar aggregate classification (germline): Uncertain significance (1 of 4 stars; one submission).

Conditions:
Nephronophthisis 15 (NPHP15). Identifiers: Orphanet 3156, MedGen C3541853, MONDO:0013917, OMIM 614845.

Submission:

Labcorp Genetics (formerly Invitae), Labcorp
Classification: Uncertain significance for Nephronophthisis 15. Last evaluated: 2022-05-10. Review status: criteria provided, single submitter. Criteria: Invitae Variant Classification Sherloc (09022015). Collection method: clinical testing. Allele origin: germline.
Comment: This sequence change falls in intron 8 of the CEP164 gene. It does not directly change the encoded amino acid sequence of the CEP164 protein. It affects a nucleotide within the consensus splice site. This variant is not present in population databases (gnomAD no frequency). This variant has not been reported in the literature in individuals affected with CEP164-related conditions. Variants that disrupt the consensus splice site are a relatively common cause of aberrant splicing (PMID: 17576681, 9536098). Algorithms developed to predict the effect of sequence changes on RNA splicing suggest that this variant may disrupt the consensus splice site. In summary, the available evidence is currently insufficient to determine the role of this variant in disease. Therefore, it has been classified as a Variant of Uncertain Significance.

Literature cited by the submitters: PubMed 17576681; PubMed 9536098.